The following is an entry in ClinVar:

ClinVar aggregate classification (germline): Uncertain significance (1 of 4 stars; one submission).

Allele frequency attached by ClinVar (database versions not stated): gnomAD exomes 0.00001; TOPMed 0.00002.
gnomAD v4.1: 4 of 1,612,178 alleles (0.00025%); highest among the groups gnomAD compares: Non-Finnish European, 0.00034%; no homozygotes.

Submission:

Labcorp Genetics (formerly Invitae), Labcorp
Classification: Uncertain significance. Last evaluated: 2022-08-21. Review status: criteria provided, single submitter. Criteria: Invitae Variant Classification Sherloc (09022015). Collection method: clinical testing. Allele origin: germline.
Comment: This sequence change replaces threonine, which is neutral and polar, with alanine, which is neutral and non-polar, at codon 493 of the SKIV2L protein (p.Thr493Ala). This variant is present in population databases (no rsID available, gnomAD 0.0009%). This variant has not been reported in the literature in individuals affected with SKIV2L-related conditions. Algorithms developed to predict the effect of missense changes on protein structure and function are either unavailable or do not agree on the potential impact of this missense change (SIFT: "Deleterious"; PolyPhen-2: "Benign"; Align-GVGD: "Class C0"). In summary, the available evidence is currently insufficient to determine the role of this variant in disease. Therefore, it has been classified as a Variant of Uncertain Significance.

NM_006929.5(SKIC2):c.1477A>G (p.Thr493Ala)

Gene: SKIC2 (SKI2 subunit of superkiller complex; plus strand). Cytogenetic location: 6p21.33.
Variant type: single nucleotide variant.
Coding change: c.1477A>G on transcript NM_006929.5 (MANE Select); coding-DNA position 1477, A replaced by G.
Protein change: p.Thr493Ala; replaces threonine 493 with alanine.
Molecular consequence: missense variant.
Genome position (GRCh38, 1-based): chr6:31,963,486, A>G. VCF-style: chr6-31963486-A-G. GRCh37 (hg19) VCF-style: chr6-31931263-A-G.
Other names: short protein forms T493A.
Identifiers: ClinVar variation 1908801 (VCV001908801.2), dbSNP rs1025133175, ClinGen allele CA136908737.